The following is an entry in ClinVar:

NM_206926.2(SELENON):c.841G>A (p.Gly281Ser)

Gene: SELENON (selenoprotein N; plus strand). Cytogenetic location: 1p36.11.
Variant type: single nucleotide variant.
Coding change: c.841G>A on transcript NM_206926.2 (MANE Select); coding-DNA position 841, G replaced by A.
Protein change: p.Gly281Ser; replaces glycine 281 with serine.
Molecular consequence: missense variant.
Genome position (GRCh38, 1-based): chr1:25,809,753, G>A. VCF-style: chr1-25809753-G-A. GRCh37 (hg19) VCF-style: chr1-26136244-G-A.
Other names: NM_020451.3(SELENON):c.943G>A; c.943G>A, p.Gly315Ser (NM_020451.3); short protein forms G315S, G281S.
Identifiers: ClinVar variation 4496 (VCV000004496.94), dbSNP rs121908188, ClinGen allele CA223589.
Genomic context (GRCh38, chr1:25,809,753, plus strand): 5'-GAGTTCCAGCTCAGTGAGCCGCCCGACTTCCCCTTTTGGTTCTCCCCTGCTCAGTTCACC[G>A]GCCACATCATCCTCTCCAAAGACGCCACCCACGTCCGCGACTTCCGGCTCTTCGTGCCCA-3'
Protein context (NP_996809.1, residues 271-291): PFWFSPAQFT[Gly281Ser]HIILSKDATH

ClinVar aggregate classification (germline): Pathogenic/Likely pathogenic. Review status: criteria provided, multiple submitters, no conflicts (2 of 4 stars). 33 submissions from 32 submitters: Pathogenic (26); Likely pathogenic (3). 4 of the submissions do not count toward it. Last evaluated 2026-09-16.

Conditions:
Congenital myopathy 4A, autosomal dominant (CMYO4A). Identifiers: MedGen CN178536, MONDO:0800341, OMIM 255310.
Eichsfeld type congenital muscular dystrophy (CMYO3). Also called: MYOPATHY, SEPN1-RELATED; SELENON-related myopathy; Congenital myopathy 3 with rigid spine; Rigid spine muscular dystrophy 1. Identifiers: MedGen C0410180, MONDO:0100100, OMIM 602771.
Desmin-related myopathy with Mallory body-like inclusions. Identifiers: Orphanet 84132, MedGen C4275073.
Fetal anomalies with a likely genetic cause.
SELENON-related disorder. Also called: SELENON-related condition.
SEPN1-related disorder. Also called: SEPN1-Related Disorders. Identifiers: MedGen CN239420.
Inborn genetic diseases. Identifiers: MedGen C0950123, MeSH D030342.
Congenital myopathy with fiber type disproportion. Also called: Congenital fiber-type disproportion myopathy; Congenital fiber-type disproportion. Identifiers: Orphanet 2020, MedGen C0546264, MONDO:0009711. Inheritance: all.

Allele frequency attached by ClinVar (database versions not stated): gnomAD 0.00030; gnomAD exomes 0.00055 and 0.00018; ExAC 0.00017; TOPMed 0.00029.
gnomAD v4.1: 821 of 1,613,918 alleles (0.051%); highest among the groups gnomAD compares: Non-Finnish European, 0.067%; 1 homozygote.

Submissions 1 to 12 of 34:

Genetics Laboratory, Great Ormond Street Hospital NHS Foundation Trust, North Thames Genomic Laboratory Hub
Classification: Pathogenic for Fetal anomalies with a likely genetic cause. Last evaluated: 2026-09-16. Review status: criteria provided, single submitter. Criteria: ACGS Best Practice Guidelines for Variant Classification in Rare Disease 2024 v1.2. Collection method: clinical testing. Allele origin: germline. Affected: yes.
Comment: PP3_supporting, PM5_supporting, PS3_supporting, PP1_supporting, PM3_very-strong

PreventionGenetics, part of Exact Sciences
Classification: Pathogenic for SELENON-related condition. Last evaluated: 2026-05-01. Review status: criteria provided, single submitter. Criteria: ACMG Guidelines, 2015. Collection method: clinical testing. Allele origin: germline.
Comment: The SELENON c.943G>A variant is predicted to result in the amino acid substitution p.Gly315Ser. This variant, in the compound heterozygous or homozygous state, has been frequently reported in patients with SELENON-related myopathy (see for example Ferreiro et al. 2002. PubMed ID: 12192640; Clarke et al. 2006. PubMed ID: 16365872; Scoto et al. 2011. PubMed ID: 21670436). Different nucleotide changes affecting the same amino acid (p.Gly315Asp; p.Gly315Arg) have also been reported to be causative for SELENON-related myopathy (Scoto et al. 2011. PubMed ID: 21670436; Natera-de Benito et al. 2021. PubMed ID: 33333461). In summary, we interpret the c.943G>A (p.Gly315Ser) variant as pathogenic.

Labcorp Genetics (formerly Invitae), Labcorp
Classification: Pathogenic for Eichsfeld type congenital muscular dystrophy. Last evaluated: 2026-01-25. Review status: criteria provided, single submitter. Criteria: Invitae Variant Classification Sherloc (09022015). Collection method: clinical testing. Allele origin: germline.
Comment: This sequence change replaces glycine, which is neutral and non-polar, with serine, which is neutral and polar, at codon 315 of the SELENON protein (p.Gly315Ser). This variant is present in population databases (rs121908188, gnomAD 0.04%). This missense change has been observed in individual(s) with SELENON-related conditions (PMID: 12192640, 16365872, 17951086, 23394784; internal data). In at least one individual the data is consistent with being in trans (on the opposite chromosome) from a pathogenic variant. It has also been observed to segregate with disease in related individuals. ClinVar contains an entry for this variant (Variation ID: 4496). An algorithm developed to predict the effect of missense changes on protein structure and function (PolyPhen-2) suggests that this variant is likely to be disruptive. For these reasons, this variant has been classified as Pathogenic.

Variantyx, Inc.
Classification: Pathogenic for Eichsfeld type congenital muscular dystrophy. Last evaluated: 2025-11-12. Review status: criteria provided, single submitter. Criteria: Variantyx Assertion Criteria 2022. Collection method: clinical testing. Allele origin: germline. Inheritance: Autosomal recessive inheritance.
Comment: This is a nonsynonymous variant in the SELENON gene (OMIM: 606210). Pathogenic variants in this gene have been associated with autosomal recessive congenital myopathy 3 with rigid spine. This variant has been reported in the homozygous or compound heterozygous state in many unrelated affected individuals (PMID: 12192640, 33037864, 37807786) (PM3_Very_Strong). Multiple computational algorithms predict a deleterious effect for this variant (REVEL score: 0.949) (PP3_Moderate). This variant has a 0.0670% maximum allele frequency in non-founder control populations (PM2_Supporting). Based on the current evidence, this variant is classified as pathogenic for autosomal recessive congenital myopathy 3 with rigid spine.

Ambry Genetics
Classification: Pathogenic for Inborn genetic diseases. Last evaluated: 2025-09-29. Review status: criteria provided, single submitter. Criteria: Ambry Variant Classification Scheme 2023. Collection method: clinical testing. Allele origin: germline.
Comment: The c.943G>A (p.G315S) alteration is located in exon 7 (coding exon 7) of the SEPN1 gene. This alteration results from a G to A substitution at nucleotide position 943, causing the glycine (G) at amino acid position 315 to be replaced by a serine (S). Based on data from gnomAD, the A allele has an overall frequency of 0.018% (51/280900) total alleles studied. The highest observed frequency was 0.037% (48/128676) of European (non-Finnish) alleles. This variant has been identified in the homozygous state and/or in conjunction with other SEPN1 variant(s) in individual(s) with features consistent with SEPN1-related myopathy; in at least one instance, the variants were identified in trans (Maggi, 2013; Ferreiro, 2002; Schara, 2008). This amino acid position is highly conserved in available vertebrate species. This alteration is predicted to be deleterious by in silico analysis. Based on the available evidence, this alteration is classified as pathogenic.

Revvity Omics, Revvity
Classification: Pathogenic for Eichsfeld type congenital muscular dystrophy. Last evaluated: 2025-06-21. Review status: criteria provided, single submitter. Criteria: ACMG Guidelines, 2015. Collection method: clinical testing. Allele origin: germline.

GeneDx
Classification: Pathogenic. Last evaluated: 2025-05-12. Review status: criteria provided, single submitter. Criteria: GeneDx Variant Classification Process June 2021. Collection method: clinical testing. Allele origin: germline. Affected: yes.
Comment: In silico analysis supports that this missense variant has a deleterious effect on protein structure/function; This variant is associated with the following publications: (PMID: 15668457, 20301436, 23394784, 12192640, 16365872, 15122708, 28688748, 31127727, 31321302, 30932294, 31561939, 33726816, 38544359, 32796131, 34867752, Crowder2024[Abstract], 19067361, 17204937, 37864479, 17951086, 37807786)

Clinical Omics and Informatics (COIN) Unit, Neuroscience Institute, University Of Cape Town
Classification: Pathogenic. Last evaluated: 2025-02-10. Review status: criteria provided, single submitter. Criteria: ACMG Guidelines, 2015. Collection method: research. Allele origin: germline. Inheritance: Autosomal recessive inheritance. Affected: yes. Observed: 1 variant allele, 1 compound heterozygote.
Comment: PM2_supporting: This variant is present in population databases. The highest MAF observed across all subpopulations of gnomAD, ExAC, 1000 Genomes and ESP is 0.00059 (5/8502 alleles, no homozygous observations). PP3_strong: REVEL score is 0.949. PS3_supporting: functional studies provide supportive evidence that the variant has a damaging effect on the gene or gene product (PMID 19067361). PP1_strong: ≥3 informative meioses across ≥1 family (PMID 12192640, 16365872). PM3_strong: Detected in trans with pathogenic variant- total 2.5 points (PMID 17951086, 12192640, 16365872. Sequencing funded by the International Centre for Genomic Medicine in Neuromuscular Diseases (ICGNMD).

Greenwood Genetic Center Diagnostic Laboratories, Greenwood Genetic Center
Classification: Pathogenic for Eichsfeld type congenital muscular dystrophy. Last evaluated: 2024-08-12. Review status: criteria provided, single submitter. Criteria: ACMG Guidelines, 2015. Collection method: clinical testing. Allele origin: germline. Affected: yes.
Comment: PS3_Supporting, PM2, PM3_Very Strong, PP3

Institute of Medical Genetics and Applied Genomics, University Hospital Tübingen
Classification: Pathogenic for Eichsfeld type congenital muscular dystrophy. Last evaluated: 2024-08-12. Review status: criteria provided, single submitter. Criteria: ACMG Guidelines, 2015. Collection method: clinical testing. Allele origin: germline. Inheritance: Autosomal recessive inheritance. Affected: yes. Clinical features observed: Hypotonia (HP:0001252), Global developmental delay (HP:0001263), Muscle weakness (HP:0001324), Failure to thrive (HP:0001508).
Comment: comp. het. with chr1:25809095-25809095 (c. 817) G>A; two affected sisters, both with both variants

Institute of Human Genetics, Clinical Exome/Genome Diagnostics Group, University Hospital Bonn
Classification: Pathogenic for Eichsfeld type congenital muscular dystrophy. Last evaluated: 2024-07-11. Review status: criteria provided, single submitter. Criteria: ACMG Guidelines, 2015. Collection method: clinical testing. Allele origin: paternal. Affected: yes.

Blueprint Genetics
Classification: Pathogenic for SELENON-related disorders. Last evaluated: 2024-05-13. Review status: criteria provided, single submitter. Criteria: ACMG Guidelines, 2015. Collection method: clinical testing. Allele origin: germline. Affected: yes. Observed: 5 variant alleles.